The following is an entry in ClinVar:

NM_017617.5(NOTCH1):c.212C>A (p.Ala71Asp)

Gene: NOTCH1 (notch receptor 1; minus strand). Cytogenetic location: 9q34.3.
Variant type: single nucleotide variant.
Coding change: c.212C>A on transcript NM_017617.5 (MANE Select); coding-DNA position 212, C replaced by A.
Protein change: p.Ala71Asp; replaces alanine 71 with aspartic acid.
Molecular consequence: missense variant.
Genome position (GRCh38, 1-based): chr9:136,523,908, G>T on the plus strand (C>A on the coding strand, the complement: NOTCH1 is on the minus strand). VCF-style: chr9-136523908-G-T. GRCh37 (hg19) VCF-style: chr9-139418360-G-T.
Other names: short protein forms A71D.
Identifiers: ClinVar variation 4801900 (VCV004801900.1).

ClinVar aggregate classification (germline): Uncertain significance (1 of 4 stars; one submission).

Conditions:
Adams-Oliver syndrome 5 (AOS5). Identifiers: Orphanet 974, MedGen C4014970, MONDO:0014459, OMIM 616028.

Submission:

Labcorp Genetics (formerly Invitae), Labcorp
Classification: Uncertain significance for Adams-Oliver syndrome 5. Last evaluated: 2026-01-04. Review status: criteria provided, single submitter. Criteria: Invitae Variant Classification Sherloc (09022015). Collection method: clinical testing. Allele origin: germline.
Comment: This sequence change replaces alanine, which is neutral and non-polar, with aspartic acid, which is acidic and polar, at codon 71 of the NOTCH1 protein (p.Ala71Asp). This variant is not present in population databases (gnomAD no frequency). This variant has not been reported in the literature in individuals affected with NOTCH1-related conditions. Invitae Evidence Modeling of protein sequence and biophysical properties (such as structural, functional, and spatial information, amino acid conservation, physicochemical variation, residue mobility, and thermodynamic stability) indicates that this missense variant is not expected to disrupt NOTCH1 protein function with a negative predictive value of 95%. In summary, the available evidence is currently insufficient to determine the role of this variant in disease. Therefore, it has been classified as a Variant of Uncertain Significance.